The following is an entry in ClinVar:

NM_001371623.1(TCOF1):c.2656C>T (p.Gln886Ter)

Gene: TCOF1 (treacle ribosome biogenesis factor 1; plus strand). Cytogenetic location: 5q32.
Variant type: single nucleotide variant.
Coding change: c.2656C>T on transcript NM_001371623.1 (MANE Select); coding-DNA position 2656, C replaced by T.
Protein change: p.Gln886Ter; replaces glutamine 886 with a stop codon.
Molecular consequence: nonsense.
Genome position (GRCh38, 1-based): chr5:150,379,406, C>T. VCF-style: chr5-150379406-C-T. GRCh37 (hg19) VCF-style: chr5-149758969-C-T.
Other names: c.2425C>T, p.Gln809Ter (NM_000356.4, NM_001135245.2); c.2656C>T, p.Gln886Ter (NM_001008657.3, NM_001135243.2, NM_001135244.2 and 1 more transcripts); short protein forms Q809*, Q886*.
Identifiers: ClinVar variation 191202 (VCV000191202.3), dbSNP rs786205575, ClinGen allele CA236243.
Genomic context (GRCh38, chr5:150,379,406, plus strand): 5'-GAGGACTCAGGGAGCAGTGAGGAGGAGTCAGACAGTGAGGAGGAGGCGGAGACGCTGGCT[C>T]AGGTGAGGGGGAGGGAATGGAGATCATCCCCTACATGGGATGTAACACCTTTGCCACATC-3'

ClinVar aggregate classification (germline): Pathogenic. Review status: criteria provided, single submitter (1 of 4 stars). 2 submissions from 1 submitter: Pathogenic (1). 1 of the submissions does not count toward it. Last evaluated 2024-03-17.

Conditions:
Treacher Collins syndrome 1 (TCS1). Also called: TCOF1-Related Treacher Collins Syndrome. Identifiers: Orphanet 861, MedGen CN315775, MONDO:0007944, OMIM 154500.

Submissions (2):

Genomic Medicine Center of Excellence, King Faisal Specialist Hospital and Research Centre
Classification: Pathogenic for Treacher Collins syndrome 1. Last evaluated: 2024-03-17. Review status: criteria provided, single submitter. Criteria: ACMG Guidelines, 2015. Collection method: research. Allele origin: germline.

Genomic Medicine Center of Excellence, King Faisal Specialist Hospital and Research Centre
Classification: Likely pathogenic. Review status: flagged submission. Criteria: ACMG Guidelines, 2015. Collection method: research. Allele origin: germline. Affected: yes. Not counted in ClinVar's aggregate classification.
ClinVar note: Reason: This record appears to be redundant with a more recent record from the same submitter.
ClinVar note: Notes: SCV000221585 appears to be redundant with SCV004805031.